The following is an entry in ClinVar:

NM_198123.2(CSMD3):c.10740+7A>G

Gene: CSMD3 (CUB and Sushi multiple domains 3; minus strand). Cytogenetic location: 8q23.3.
Variant type: single nucleotide variant.
Coding change: c.10740+7A>G on transcript NM_198123.2 (MANE Select); 7 bases into the intron after coding-DNA position 10740, A replaced by G.
Molecular consequence: intron variant.
Genome position (GRCh38, 1-based): chr8:112,234,358, T>C on the plus strand (A>G on the coding strand, the complement: CSMD3 is on the minus strand). VCF-style: chr8-112234358-T-C. GRCh37 (hg19) VCF-style: chr8-113246587-T-C.
Other names: c.10140+7A>G (NM_001363185.1); c.10233+7A>G (NM_052900.3); c.10620+7A>G (NM_198124.2).
Identifiers: ClinVar variation 2658756 (VCV002658756.24), dbSNP rs368478953, ClinGen allele CA4848282.
Genomic context (GRCh38, chr8:112,234,358, plus strand): 5'-CCTTTCCTGGACAAGCTACAAATTTATCATTAAAATCAGCAGCAGATGTTAAAATAACTA[T>C]ACTTACAAAGCCATCCATTGCCCAATTTTCTTCCTTCATTTTCTTCACAGAAGCATGAGC-3'

ClinVar aggregate classification (germline): Likely benign (1 of 4 stars; one submission).

Allele frequency attached by ClinVar (database versions not stated): gnomAD exomes 0.00043; gnomAD 0.00044; TOPMed 0.00049; ExAC 0.00060; ESP Exome Variant Server 0.00100.
gnomAD v4.1: 695 of 1,547,270 alleles (0.045%); highest among the groups gnomAD compares: Non-Finnish European, 0.019%; 4 homozygotes.

Submission:

CeGaT Center for Human Genetics Tuebingen
Classification: Likely benign. Last evaluated: 2023-10-01. Review status: criteria provided, single submitter. Criteria: CeGaT Center For Human Genetics Tuebingen Variant Classification Criteria Version 2. Collection method: clinical testing. Allele origin: germline. Affected: yes. Observed: 1 variant allele.
Comment: CSMD3: BP4